The following is an entry in ClinVar:

ClinVar aggregate classification (germline): Benign. Review status: criteria provided, single submitter (1 of 4 stars). 2 submissions from 1 submitter: Benign (2). Last evaluated 2018-01-13.

Conditions:
Wagner disease. Also called: WAGNER VITREORETINAL DEGENERATION; WAGNER VITREORETINOPATHY; Wagner Vitreoretinal Degeneration (Wagner Synrdome); WAGNER SYNDROME 1; HYALOIDEORETINAL DEGENERATION OF WAGNER; Wagner syndrome. Identifiers: Orphanet 898, MedGen C1840452, MONDO:0007740, OMIM 143200.
Vitreoretinopathy. Also called: Vitreoretinal degeneration. Identifiers: MedGen C0344290, MONDO:0020248, HP:0007773.

Allele frequency attached by ClinVar (database versions not stated): gnomAD 0.00005 and 0.00059; TOPMed 0.00012; gnomAD exomes 0.00090; 1000 Genomes Project 0.00539; 1000 Genomes Project 30x 0.00547.
gnomAD v4.1: 1,382 of 1,575,418 alleles (0.088%); highest among the groups gnomAD compares: South Asian, 1.5%; 20 homozygotes.

Submissions (2):

Illumina Laboratory Services, Illumina
Classification: Benign for Wagner disease. Last evaluated: 2018-01-13. Review status: criteria provided, single submitter. Criteria: ICSL Variant Classification Criteria 13 December 2019. Collection method: clinical testing. Allele origin: germline.
Comment: This variant was observed in the ICSL laboratory as part of a predisposition screen in an ostensibly healthy population. It had not been previously curated by ICSL or reported in the Human Gene Mutation Database (HGMD: prior to June 1st, 2018), and was therefore a candidate for classification through an automated scoring system. Utilizing variant allele frequency, disease prevalence and penetrance estimates, and inheritance mode, an automated score was calculated to assess if this variant is too frequent to cause the disease. Based on the score and internal cut-off values, a variant classified as benign is not then subjected to further curation. The score for this variant resulted in a classification of benign for this disease.

Illumina Laboratory Services, Illumina
Classification: Benign for Vitreoretinopathy. Last evaluated: 2018-01-13. Review status: criteria provided, single submitter. Criteria: ICSL Variant Classification Criteria 13 December 2019. Collection method: clinical testing. Allele origin: germline.
Comment: the same text as in the submission from Illumina Laboratory Services, Illumina above.

NM_004385.5(VCAN):c.*89A>G

Gene: VCAN (versican; plus strand). Cytogenetic location: 5q14.3.
Variant type: single nucleotide variant.
Coding change: c.*89A>G on transcript NM_004385.5 (MANE Select); 89 bases downstream of the stop codon, A replaced by G.
Molecular consequence: 3 prime UTR variant.
Genome position (GRCh38, 1-based): chr5:83,580,523, A>G. VCF-style: chr5-83580523-A-G. GRCh37 (hg19) VCF-style: chr5-82876342-A-G.
Other names: c.*89A>G (NM_001126336.3, NM_001164097.2, NM_001164098.2).
Identifiers: ClinVar variation 906773 (VCV000906773.4), dbSNP rs369600306, ClinGen allele CA121803657.